The following is an entry in ClinVar:

ClinVar aggregate classification (germline): Uncertain significance (1 of 4 stars; one submission).

Allele frequency attached by ClinVar (database versions not stated): gnomAD exomes below 0.00001.
gnomAD v4.1: 1 of 1,610,412 alleles (0.000062%); highest among the groups gnomAD compares: Non-Finnish European, 0.000085%; no homozygotes.

Submission:

CeGaT Center for Human Genetics Tuebingen
Classification: Uncertain significance. Last evaluated: 2023-02-01. Review status: criteria provided, single submitter. Criteria: CeGaT Center For Human Genetics Tuebingen Variant Classification Criteria Version 2. Collection method: clinical testing. Allele origin: germline. Affected: yes. Observed: 1 variant allele.
Comment: DNAH10: PM2, PP3

NM_001372106.1(DNAH10):c.10134G>C (p.Lys3378Asn)

Gene: DNAH10 (dynein axonemal heavy chain 10; plus strand). Cytogenetic location: 12q24.31.
Variant type: single nucleotide variant.
Coding change: c.10134G>C on transcript NM_001372106.1 (MANE Select); coding-DNA position 10134, G replaced by C.
Protein change: p.Lys3378Asn; replaces lysine 3378 with asparagine.
Molecular consequence: missense variant.
Genome position (GRCh38, 1-based): chr12:123,910,672, G>C. VCF-style: chr12-123910672-G-C. GRCh37 (hg19) VCF-style: chr12-124395219-G-C.
Other names: c.9780G>C, p.Lys3260Asn (NM_001083900.1, NM_207437.3); short protein forms K3260N, K3378N.
Identifiers: ClinVar variation 2643535 (VCV002643535.24), dbSNP rs1476752658, ClinGen allele CA387169234.
Genomic context (GRCh38, chr12:123,910,672, plus strand): 5'-TGTTGAAGCTGTAATGGGCTACTGTGATGTTTTCAGAGAAATCAAGCCCAAAAGAGAGAA[G>C]GTATTGCCCGAATGTAAGACTGCCACACCACTGCCAAGGGACCCATTCAGAGTCAGAATT-3'
Protein context (NP_001359035.1, residues 3368-3388): VFREIKPKRE[Lys3378Asn]VARLERNFYL